The following is an entry in ClinVar:

ClinVar aggregate classification (germline): Pathogenic. Review status: criteria provided, multiple submitters, no conflicts (2 of 4 stars). 7 submissions from 7 submitters: Pathogenic (7). Last evaluated 2026-08-17.

Conditions:
CEP290-related disorder. Also called: CEP290-related disorders; CEP290-related condition. Identifiers: MedGen CN239314.
Bardet-Biedl syndrome 14 (BBS14). Identifiers: Orphanet 110, MedGen C2673874, MONDO:0014442, OMIM 615991.
Joubert syndrome 5 (JBTS5). Identifiers: Orphanet 2318, MedGen C1857780, MONDO:0012432, OMIM 610188.
Leber congenital amaurosis 10 (LCA10). Identifiers: Orphanet 65, MedGen C1857821, MONDO:0012723, OMIM 611755.
Meckel syndrome, type 4 (MKS4). Also called: MECKEL-GRUBER SYNDROME, TYPE 4. Identifiers: Orphanet 564, MedGen C1970161, MONDO:0012626, OMIM 611134.
Senior-Loken syndrome 6 (SLSN6). Identifiers: Orphanet 3156, MedGen C1857779, MONDO:0012433, OMIM 610189.
CEP290-related ciliopathy. Also called: CEP290 ciliopathy. Identifiers: MedGen CN305601, MONDO:0100451.
Joubert syndrome. Also called: JOUBERT-BOLTSHAUSER SYNDROME; Familial aplasia of the vermis. Identifiers: Orphanet 475, MedGen C5979921, MONDO:0018772.
Nephronophthisis. Also called: Juvenile Nephronophthisis. Identifiers: Orphanet 655, MedGen C0687120, MONDO:0019005, HP:0000090.
Meckel-Gruber syndrome. Also called: DYSENCEPHALIA SPLANCHNOCYSTICA; GRUBER SYNDROME; Dysencephalia splachnocystica. Identifiers: Orphanet 564, MedGen C0265215, MONDO:0018921.
Leber congenital amaurosis (LCA). Also called: Leber's amaurosis. Identifiers: Orphanet 65, MedGen C0339527, MeSH D057130, MONDO:0018998.

Submissions (7):

PreventionGenetics, part of Exact Sciences
Classification: Pathogenic for CEP290-related condition. Last evaluated: 2026-08-17. Review status: criteria provided, single submitter. Criteria: ACMG Guidelines, 2015. Collection method: clinical testing. Allele origin: germline.
Comment: The CEP290 c.270_274del5 variant is predicted to result in a frameshift and premature protein termination (p.Lys90Asnfs*6). This variant has been reported in indivudals with Leber congenital amaurosis or inherited retinal disease (Halbritter et al. 2012. PubMed ID: 23188109; Sheck et al. 2018. PubMed ID: 29398085; Table S1, Lin et al. 2024. PubMed ID: 38219857). This variant is reported in 0.012% of alleles in individuals of African descent in gnomAD. Frameshift variants in CEP290 are expected to be pathogenic. This variant is interpreted as pathogenic.

Natera, Inc.
Classification: Pathogenic for Leber congenital amaurosis. Last evaluated: 2025-08-08. Review status: criteria provided, single submitter. Criteria: Natera Variant Classification Schema (03/2026). Collection method: clinical testing. Allele origin: germline.
Comment: The c.270_274delAGTAA variant in CEP290 is a frameshift variant predicted to shift the reading frame beginning at codon 90 and leads to a stop codon 6 codons downstream. This variant is expected to result in nonsense mediated decay, truncation, or a dysfunctional protein product. This variant is rare in the general population with a frequency below the threshold expected for the associated phenotype(s). This variant has been observed in one or more individuals affected with the associated recessive disease, as either homozygous or compound heterozygous with a second variant (PMID: 23188109). Given the available evidence, this variant is classified as Pathogenic.

Myriad Genetics, Inc.
Classification: Pathogenic for CEP290-related ciliopathy. Last evaluated: 2025-07-29. Review status: criteria provided, single submitter. Criteria: Myriad Autosomal Dominant, Autosomal Recessive and X-Linked Classification Criteria (2023). Collection method: clinical testing. Allele origin: unknown.
Comment: NM_025114.3(CEP290):c.270_274del5(K90Nfs*6) is a frameshift variant classified as pathogenic in the context of CEP290-related disorders. K90Nfs*6 has been observed in cases with relevant disease (PMID: 23188109, 29398085). Relevant functional assessments of this variant are not available in the literature. K90Nfs*6 has been observed in referenced population frequency databases. In summary, NM_025114.3(CEP290):c.270_274del5(K90Nfs*6) is a frameshift variant in a gene where loss of function is a known mechanism of disease, is predicted to disrupt protein function, and has been observed more frequently in cases with the relevant disease than in healthy populations. Please note: this variant was assessed in the context of healthy population screening.

Dasa
Classification: Pathogenic. Last evaluated: 2024-06-14. Review status: criteria provided, single submitter. Criteria: DASA Assertion Criteria. Collection method: clinical testing. Allele origin: germline.
Comment: NM_025114.4(CEP290):c.270_274del (p.Lys90Asnfs*6) is a frameshift variant in CEP290 predicted to alter the reading frame and introduce a premature termination codon and is predicted to result in an absent or altered protein product. Loss of function is an established disease mechanism for CEP290-associated disorders. This variant has been reported in individuals with CEP290-related disorders. Published studies describe this variant in association with related phenotype (PMID: 29398085). Also, this variant is rare in population databases. Based on the currently available evidence, this variant is classified as pathogenic.

Fulgent Genetics
Classification: Pathogenic for Joubert syndrome 5; Senior-Loken syndrome 6; Meckel syndrome, type 4; Leber congenital amaurosis 10; Bardet-Biedl syndrome 14. Last evaluated: 2024-05-08. Review status: criteria provided, single submitter. Criteria: ACMG Guidelines, 2015. Collection method: clinical testing. Allele origin: germline.

Baylor Genetics
Classification: Pathogenic for Bardet-Biedl syndrome 14. Last evaluated: 2024-01-17. Review status: criteria provided, single submitter. Criteria: ACMG Guidelines, 2015. Collection method: clinical testing. Allele origin: unknown.

Labcorp Genetics (formerly Invitae), Labcorp
Classification: Pathogenic for Joubert syndrome; Meckel-Gruber syndrome; Nephronophthisis. Last evaluated: 2023-10-03. Review status: criteria provided, single submitter. Criteria: Invitae Variant Classification Sherloc (09022015). Collection method: clinical testing. Allele origin: germline.
Comment: This sequence change creates a premature translational stop signal (p.Lys90Asnfs*6) in the CEP290 gene. It is expected to result in an absent or disrupted protein product. Loss-of-function variants in CEP290 are known to be pathogenic (PMID: 16909394, 17345604, 20690115). This variant is present in population databases (no rsID available, gnomAD 0.01%). This premature translational stop signal has been observed in individual(s) with Leber congenital amaurosis (PMID: 23188109, 29398085). ClinVar contains an entry for this variant (Variation ID: 2137397). For these reasons, this variant has been classified as Pathogenic.

Literature cited by the submitters: PubMed 23188109 (cited by 3 submitters); PubMed 29398085 (cited by 3 submitters); PubMed 16909394 (cited by Labcorp Genetics (formerly Invitae), Labcorp); PubMed 17345604 (cited by Labcorp Genetics (formerly Invitae), Labcorp); PubMed 20690115 (cited by Labcorp Genetics (formerly Invitae), Labcorp).

NM_025114.4(CEP290):c.270_274del (p.Lys90fs)

Gene: CEP290 (centrosomal protein 290; minus strand). Cytogenetic location: 12q21.32.
Variant type: Deletion.
Coding change: c.270_274del on transcript NM_025114.4 (MANE Select); coding-DNA positions 270 to 274, 5 bases deleted (AGTAA; older notation c.270_274delAGTAA).
Protein change: p.Lys90fs; shifts the reading frame from lysine 90.
Molecular consequence: frameshift variant.
Genome position (GRCh38, 1-based): chr12:88,139,168-88,139,172, TTACT deleted on the plus strand (AGTAA on the coding strand, the reverse complement: CEP290 is on the minus strand); deleting any 5 consecutive bases within chr12:88,139,168-88,139,175 gives the same sequence; the c. name uses the placement nearest the transcript's 3' end. VCF-style (leftmost placement, unchanged base first): chr12-88139167-ATTACT-A. GRCh37 (hg19) VCF-style: chr12-88532944-ATTACT-A.
Other names: c.270_274del5 (NM_025114.3); c.270_274delAGTAA (NM_025114.3); short protein forms K90fs.
Identifiers: ClinVar variation 2137397 (VCV002137397.12), dbSNP rs1027368517, ClinGen allele CA241166991.